The following is an entry in ClinVar:

ClinVar aggregate classification (germline): Uncertain significance (1 of 4 stars; one submission).

Conditions:
Inborn genetic diseases. Identifiers: MedGen C0950123, MeSH D030342.

gnomAD v4.1: 2 of 1,595,728 alleles (0.00013%); highest among the groups gnomAD compares: Non-Finnish European, 0.00017%; no homozygotes.

Submission:

Ambry Genetics
Classification: Uncertain significance for Inborn genetic diseases. Last evaluated: 2025-10-22. Review status: criteria provided, single submitter. Criteria: Ambry Variant Classification Scheme 2023. Collection method: clinical testing. Allele origin: germline.
Comment: The p.H137Y variant (also known as c.409C>T), located in coding exon 2 of the ERCC6L2 gene, results from a C to T substitution at nucleotide position 409. The histidine at codon 137 is replaced by tyrosine, an amino acid with similar properties. This amino acid position is conserved. In addition, this alteration is predicted to be deleterious by in silico analysis. Based on the available evidence, the clinical significance of this variant remains unclear.

NM_020207.7(ERCC6L2):c.409C>T (p.His137Tyr)

Gene: ERCC6L2 (ERCC excision repair 6 like 2; plus strand). Cytogenetic location: 9q22.32.
Variant type: single nucleotide variant.
Coding change: c.409C>T on transcript NM_020207.7 (MANE Select); coding-DNA position 409, C replaced by T.
Protein change: p.His137Tyr; replaces histidine 137 with tyrosine.
Molecular consequence: missense variant. On other transcripts: non-coding transcript variant (1).
Genome position (GRCh38, 1-based): chr9:95,881,231, C>T. VCF-style: chr9-95881231-C-T. GRCh37 (hg19) VCF-style: chr9-98643513-C-T.
Other names: c.409C>T, p.His137Tyr (NM_001010895.4, NM_001375291.1, NM_001375292.1 and 2 more transcripts); short protein forms H137Y.
Identifiers: ClinVar variation 4618736 (VCV004618736.1).
Genomic context (GRCh38, chr9:95,881,231, plus strand): 5'-TATACCATCAATAGGTATTTGAGAGACTACCAAAGAGAAGGAACCCGGTTTCTTTATGGA[C>T]ACTACATCCATGGAGGAGGGTGCATTCTGGGTGATGACATGGGACTTGGAAAAACAGTAC-3'
Protein context (NP_064592.3, residues 127-147): QREGTRFLYG[His137Tyr]YIHGGGCILG